The following is an entry in ClinVar:

NM_198391.3(FLRT3):c.1327C>T (p.Leu443=)

Genes: FLRT3 (fibronectin leucine rich transmembrane protein 3; minus strand), MACROD2 (mono-ADP ribosylhydrolase 2; plus strand). Cytogenetic location: 20p12.1.
Variant type: single nucleotide variant.
Coding change: c.1327C>T on transcript NM_198391.3 (MANE Select); coding-DNA position 1327, C replaced by T.
Protein change: p.Leu443=; no amino-acid change (leucine 443 retained).
Molecular consequence: synonymous variant. On other transcripts: intron variant (3).
Genome position (GRCh38, 1-based): chr20:14,326,180, G>A on the plus strand (C>T on the coding strand, the complement: FLRT3 is on the minus strand). VCF-style: chr20-14326180-G-A. GRCh37 (hg19) VCF-style: chr20-14306826-G-A.
Other names: c.1327C>T, p.Leu443= (NM_013281.4); c.272-167299G>A (NM_001351661.2, NM_001351663.2, NM_080676.6).
Identifiers: ClinVar variation 3031882 (VCV003031882.2), dbSNP rs754866739, ClinGen allele CA509819702.

ClinVar aggregate classification (germline): Likely benign (0 of 4 stars; one submission).

Conditions:
FLRT3-related disorder. Also called: FLRT3-related condition.

Submission:

PreventionGenetics, part of Exact Sciences
Classification: Likely benign for FLRT3-related condition. Last evaluated: 2020-10-14. Review status: no assertion criteria provided. Collection method: clinical testing. Allele origin: germline.
Comment: This variant is classified as likely benign based on ACMG/AMP sequence variant interpretation guidelines (Richards et al. 2015 PMID: 25741868, with internal and published modifications).